The following is an entry in ClinVar:

NM_000069.3(CACNA1S):c.5048+5_5048+7del

Gene: CACNA1S (calcium voltage-gated channel subunit alpha1 S; minus strand). Cytogenetic location: 1q32.1.
Variant type: Deletion.
Coding change: c.5048+5_5048+7del on transcript NM_000069.3 (MANE Select); bases 5 to 7 of the intron after coding-DNA position 5048, 3 bases deleted (TGG; older notation c.5048+5_5048+7delTGG).
Molecular consequence: intron variant.
Genome position (GRCh38, 1-based): chr1:201,043,274-201,043,276, CCA deleted on the plus strand (TGG on the coding strand, the reverse complement: CACNA1S is on the minus strand); deleting any 3 consecutive bases within chr1:201,043,274-201,043,277 gives the same sequence; the c. name uses the placement nearest the transcript's 3' end. VCF-style (leftmost placement, unchanged base first): chr1-201043273-GCCA-G. GRCh37 (hg19) VCF-style: chr1-201012401-GCCA-G.
Identifiers: ClinVar variation 3072251 (VCV003072251.1), dbSNP rs2464410029, ClinGen allele CA2825000892.

ClinVar aggregate classification (germline): Uncertain significance (1 of 4 stars; one submission).

Conditions:
Malignant hyperthermia, susceptibility to, 5 (MHS5). Also called: CACNA1S-Related Malignant Hyperthermia Susceptibility. Identifiers: Orphanet 423, MedGen C1866077, MONDO:0011163, OMIM 601887.

Submission:

All of Us Research Program, National Institutes of Health
Classification: Uncertain significance for Malignant hyperthermia, susceptibility to, 5. Last evaluated: 2023-06-26. Review status: criteria provided, single submitter. Criteria: ACMG Guidelines, 2015. Collection method: clinical testing. Allele origin: germline. Inheritance: Autosomal dominant inheritance. Observed: 1 variant allele, 1 heterozygote.
Comment: This variant causes deletion of three nucleotides in intron 40 of the CACNA1S gene. To our knowledge, functional studies have not been reported for this variant. This variant has not been reported in individuals affected with CACNA1S-related disorders in the literature. This variant has not been identified in the general population by the Genome Aggregation Database (gnomAD). The available evidence is insufficient to determine the role of this variant in disease conclusively. Therefore, this variant is classified as a Variant of Uncertain Significance.

This study involves interpretation of variants in research participants for the purpose of population health screening. Participant phenotype was not available at the time of variant classification. Additional details can be found in publication PMID: 35346344, PMCID: PMC8962531